The following is an entry in ClinVar:

NM_198253.3(TERT):c.913G>A (p.Ala305Thr)

Gene: TERT (telomerase reverse transcriptase; minus strand). Cytogenetic location: 5p15.33.
Variant type: single nucleotide variant.
Coding change: c.913G>A on transcript NM_198253.3 (MANE Select); coding-DNA position 913, G replaced by A.
Protein change: p.Ala305Thr; replaces alanine 305 with threonine.
Molecular consequence: missense variant. On other transcripts: non-coding transcript variant (2).
Genome position (GRCh38, 1-based): chr5:1,293,973, C>T on the plus strand (G>A on the coding strand, the complement: TERT is on the minus strand). VCF-style: chr5-1293973-C-T. GRCh37 (hg19) VCF-style: chr5-1294088-C-T.
Other names: c.913G>A, p.Ala305Thr (NM_001193376.3); c.913G>A (NM_198253.2); short protein forms A305T.
Identifiers: ClinVar variation 1353956 (VCV001353956.8), dbSNP rs755275006, ClinGen allele CA359056163.
Genomic context (GRCh38, chr5:1,293,973, plus strand): 5'-ACACCGGGGGACAAGGCGTGTCCCAGGGACGTGGTGGCCGCGATGTGGATGGGGGGCCCG[C>T]GTGGTGCTGGCGGCCCACGGATGGGTGGGAGTGGCGCGTGCCAGAGAGCGCACCCTCCAA-3'
Protein context (NP_937983.2, residues 295-315): SHPSVGRQHH[Ala305Thr]GPPSTSRPPR

ClinVar aggregate classification (germline): Uncertain significance. Review status: criteria provided, multiple submitters, no conflicts (2 of 4 stars). 2 submissions from 2 submitters: Uncertain significance (2). Last evaluated 2023-02-21.

Conditions:
Dyskeratosis congenita. Identifiers: Orphanet 1775, MedGen C0265965, MONDO:0015780.
Idiopathic Pulmonary Fibrosis. Also called: Idiopathic fibrosing alveolitis, chronic form; idiopathic fibrosing alveolitis. Identifiers: Orphanet 2032, MedGen C1800706, MeSH D054990, MONDO:0800504.
Dyskeratosis congenita, autosomal dominant 2. Identifiers: MedGen C3151443, MONDO:0013521, OMIM 613989.

Submissions (2):

Ambry Genetics
Classification: Uncertain significance for Dyskeratosis congenita. Last evaluated: 2023-02-21. Review status: criteria provided, single submitter. Criteria: Ambry Variant Classification Scheme 2023. Collection method: clinical testing. Allele origin: germline.
Comment: The p.A305T variant (also known as c.913G>A), located in coding exon 2 of the TERT gene, results from a G to A substitution at nucleotide position 913. The alanine at codon 305 is replaced by threonine, an amino acid with similar properties. This amino acid position is conserved. In addition, this alteration is predicted to be tolerated by in silico analysis. Since supporting evidence is limited at this time, the clinical significance of this alteration remains unclear.

Labcorp Genetics (formerly Invitae), Labcorp
Classification: Uncertain significance for Dyskeratosis congenita, autosomal dominant 2; Idiopathic Pulmonary Fibrosis. Last evaluated: 2022-11-15. Review status: criteria provided, single submitter. Criteria: Invitae Variant Classification Sherloc (09022015). Collection method: clinical testing. Allele origin: germline.
Comment: In summary, the available evidence is currently insufficient to determine the role of this variant in disease. Therefore, it has been classified as a Variant of Uncertain Significance. Algorithms developed to predict the effect of missense changes on protein structure and function output the following: SIFT: "Tolerated"; PolyPhen-2: "Benign"; Align-GVGD: "Class C0". The threonine amino acid residue is found in multiple mammalian species, which suggests that this missense change does not adversely affect protein function. ClinVar contains an entry for this variant (Variation ID: 1353956). This variant has not been reported in the literature in individuals affected with TERT-related conditions. This variant is not present in population databases (gnomAD no frequency). This sequence change replaces alanine, which is neutral and non-polar, with threonine, which is neutral and polar, at codon 305 of the TERT protein (p.Ala305Thr).